The following is an entry in ClinVar:

NC_000014.8:g.(?_45639782)_(45669211_?)del

Gene: FANCM (FA complementation group M; plus strand). Cytogenetic location: 14q21.2.
Variant type: Deletion.
Identifiers: ClinVar variation 2426631 (VCV002426631.3).

ClinVar aggregate classification (germline): Pathogenic (1 of 4 stars; one submission).

Conditions:
Fanconi anemia (FA). Also called: Fanconi's anemia. Identifiers: Orphanet 84, MedGen C0015625, MeSH D005199, MONDO:0019391.

Submission:

Labcorp Genetics (formerly Invitae), Labcorp
Classification: Pathogenic for Fanconi anemia. Last evaluated: 2022-02-24. Review status: criteria provided, single submitter. Criteria: Invitae Variant Classification Sherloc (09022015). Collection method: clinical testing. Allele origin: germline.
Comment: For these reasons, this variant has been classified as Pathogenic. This variant disrupts a region of the FANCM protein in which other variant(s) (p.Arg1931*) have been determined to be pathogenic (PMID: 17289582, 18174376, 19379763, 23932590, 24003026, 26130695, 28702895, 28837162, 30075111). This suggests that this is a clinically significant region of the protein, and that variants that disrupt it are likely to be disease-causing. This variant has not been reported in the literature in individuals affected with FANCM-related conditions. This variant is a gross deletion of the genomic region encompassing exon(s) 12-23 of the FANCM gene, which includes the termination codon. This deletion extends beyond the assayed region for this gene and therefore may encompass additional genes. While this deletion is not anticipated to lead to nonsense mediated decay, it is expected to alter mRNA translation or result in a truncated protein product.

Literature cited by the submitters: PubMed 17289582; PubMed 18174376; PubMed 19379763; PubMed 23932590; PubMed 24003026; PubMed 26130695; PubMed 28702895; PubMed 28837162; PubMed 30075111.